The following is an entry in ClinVar:

NM_020800.3(IFT80):c.1997T>C (p.Leu666Pro)

Genes: TRIM59-IFT80 (TRIM59-IFT80 readthrough (NMD candidate); minus strand), IFT80 (intraflagellar transport 80; minus strand). Cytogenetic location: 3q25.33.
Variant type: single nucleotide variant.
Coding change: c.1997T>C on transcript NM_020800.3 (MANE Select); coding-DNA position 1997, T replaced by C.
Protein change: p.Leu666Pro; replaces leucine 666 with proline.
Molecular consequence: missense variant. On other transcripts: non-coding transcript variant (3).
Genome position (GRCh38, 1-based): chr3:160,277,408, A>G on the plus strand (T>C on the coding strand, the complement: IFT80 is on the minus strand). VCF-style: chr3-160277408-A-G. GRCh37 (hg19) VCF-style: chr3-159995196-A-G.
Other names: c.1586T>C, p.Leu529Pro (NM_001190241.2, NM_001190242.2); short protein forms L666P, L529P.
Identifiers: ClinVar variation 1479494 (VCV001479494.6), dbSNP rs754345105, ClinGen allele CA2684996.
Genomic context (GRCh38, chr3:160,277,408, plus strand): 5'-TAAACAAGGCCAGCCTGAAGAAGTACTATTTCAGCCTCCTGTATGTTCCCACTAAACAGT[A>G]GTATGTGGGCCATTTTTGATTCTTTAGATGGAAGATTTTTTATAGAATTGATGTACTGAA-3'
Protein context (NP_065851.1, residues 656-676): PSKESKMAHI[Leu666Pro]LFSGNIQEAE

ClinVar aggregate classification (germline): Uncertain significance (1 of 4 stars; one submission).

Conditions:
Jeune thoracic dystrophy. Also called: Jeune syndrome; Infantile thoracic dystrophy; Thoracic pelvic phalangeal dystrophy; Jeune's syndrome; Chondroectodermal dysplasia-like syndrome; Short-rib thoracic dysplasia. Identifiers: Orphanet 474, MedGen C0265275, MONDO:0018770.

Allele frequency attached by ClinVar (database versions not stated): gnomAD exomes below 0.00001 and 0.00001; TOPMed below 0.00001; ExAC 0.00001; gnomAD 0.00001.
gnomAD v4.1: 9 of 1,611,210 alleles (0.00056%); highest among the groups gnomAD compares: Non-Finnish European, 0.00076%; no homozygotes.

Submission:

Labcorp Genetics (formerly Invitae), Labcorp
Classification: Uncertain significance for Jeune thoracic dystrophy. Last evaluated: 2022-08-15. Review status: criteria provided, single submitter. Criteria: Invitae Variant Classification Sherloc (09022015). Collection method: clinical testing. Allele origin: germline.
Comment: In summary, the available evidence is currently insufficient to determine the role of this variant in disease. Therefore, it has been classified as a Variant of Uncertain Significance. Algorithms developed to predict the effect of missense changes on protein structure and function are either unavailable or do not agree on the potential impact of this missense change (SIFT: "Tolerated"; PolyPhen-2: "Possibly Damaging"; Align-GVGD: "Class C0"). ClinVar contains an entry for this variant (Variation ID: 1479494). This variant has not been reported in the literature in individuals affected with IFT80-related conditions. This variant is present in population databases (rs754345105, gnomAD 0.0009%). This sequence change replaces leucine, which is neutral and non-polar, with proline, which is neutral and non-polar, at codon 666 of the IFT80 protein (p.Leu666Pro).